The following is an entry in ClinVar:

NM_198578.4(LRRK2):c.39G>C (p.Glu13Asp)

Gene: LRRK2 (leucine rich repeat kinase 2; plus strand). Cytogenetic location: 12q12.
Variant type: single nucleotide variant.
Coding change: c.39G>C on transcript NM_198578.4 (MANE Select); coding-DNA position 39, G replaced by C.
Protein change: p.Glu13Asp; replaces glutamic acid 13 with aspartic acid.
Molecular consequence: missense variant.
Genome position (GRCh38, 1-based): chr12:40,225,170, G>C. VCF-style: chr12-40225170-G-C. GRCh37 (hg19) VCF-style: chr12-40618972-G-C.
Other names: short protein forms E13D.
Identifiers: ClinVar variation 1736879 (VCV001736879.3), dbSNP rs775407458, ClinGen allele CA6512966.

ClinVar aggregate classification (germline): Uncertain significance (1 of 4 stars; one submission).

Conditions:
Inborn genetic diseases. Identifiers: MedGen C0950123, MeSH D030342.

gnomAD v4.1: 5 of 1,614,162 alleles (0.00031%); highest among the groups gnomAD compares: East Asian, 0.0022%; no homozygotes.

Submission:

Ambry Genetics
Classification: Uncertain significance for Inborn genetic diseases. Last evaluated: 2024-10-14. Review status: criteria provided, single submitter. Criteria: Ambry Variant Classification Scheme 2023. Collection method: clinical testing. Allele origin: germline.
Comment: The p.E13D variant (also known as c.39G>C), located in coding exon 1 of the LRRK2 gene, results from a G to C substitution at nucleotide position 39. The glutamic acid at codon 13 is replaced by aspartic acid, an amino acid with highly similar properties. This amino acid position is conserved. In addition, this alteration is predicted to be tolerated by in silico analysis. Since supporting evidence is limited at this time, the clinical significance of this alteration remains unclear.